The following is an entry in ClinVar:

ClinVar aggregate classification (germline): Uncertain significance (1 of 4 stars; one submission).

Conditions:
Episodic ataxia type 1 (EA1). Also called: Episodic ataxia/myokymia syndrome; MYOKYMIA WITH PERIODIC ATAXIA; PAROXYSMAL ATAXIA WITH NEUROMYOTONIA, HEREDITARY; ATAXIA, EPISODIC, WITH MYOKYMIA. Identifiers: Orphanet 37612, Orphanet 972, MedGen C1719788, MONDO:0008047, OMIM 160120.

Submission:

Labcorp Genetics (formerly Invitae), Labcorp
Classification: Uncertain significance for Episodic ataxia type 1. Last evaluated: 2025-02-26. Review status: criteria provided, single submitter. Criteria: Invitae Variant Classification Sherloc (09022015). Collection method: clinical testing. Allele origin: germline.
Comment: This sequence change replaces serine, which is neutral and polar, with proline, which is neutral and non-polar, at codon 437 of the KCNA1 protein (p.Ser437Pro). This variant is not present in population databases (gnomAD no frequency). This variant has not been reported in the literature in individuals affected with KCNA1-related conditions. Invitae Evidence Modeling of protein sequence and biophysical properties (such as structural, functional, and spatial information, amino acid conservation, physicochemical variation, residue mobility, and thermodynamic stability) indicates that this missense variant is not expected to disrupt KCNA1 protein function with a negative predictive value of 80%. In summary, the available evidence is currently insufficient to determine the role of this variant in disease. Therefore, it has been classified as a Variant of Uncertain Significance.

NM_000217.3(KCNA1):c.1309T>C (p.Ser437Pro)

Gene: KCNA1 (potassium voltage-gated channel subfamily A member 1; plus strand). Cytogenetic location: 12p13.32.
Variant type: single nucleotide variant.
Coding change: c.1309T>C on transcript NM_000217.3 (MANE Select); coding-DNA position 1309, T replaced by C.
Protein change: p.Ser437Pro; replaces serine 437 with proline.
Molecular consequence: missense variant.
Genome position (GRCh38, 1-based): chr12:4,912,687, T>C. VCF-style: chr12-4912687-T-C. GRCh37 (hg19) VCF-style: chr12-5021853-T-C.
Other names: short protein forms S437P.
Identifiers: ClinVar variation 4801140 (VCV004801140.1).